The following is an entry in ClinVar:

NM_000136.3(FANCC):c.34_36del (p.Tyr12del)

Gene: FANCC (FA complementation group C; minus strand). Cytogenetic location: 9q22.32.
Variant type: Deletion.
Coding change: c.34_36del on transcript NM_000136.3 (MANE Select); coding-DNA positions 34 to 36, 3 bases deleted (TAT; older notation c.34_36delTAT).
Protein change: p.Tyr12del; deletes tyrosine 12.
Molecular consequence: inframe deletion.
Genome position (GRCh38, 1-based): chr9:95,249,256-95,249,258, ATA deleted on the plus strand (TAT on the coding strand, the reverse complement: FANCC is on the minus strand); deleting any 3 consecutive bases within chr9:95,249,256-95,249,260 gives the same sequence; the c. name uses the placement nearest the transcript's 3' end. VCF-style (leftmost placement, unchanged base first): chr9-95249255-GATA-G. GRCh37 (hg19) VCF-style: chr9-98011537-GATA-G.
Other names: c.34_36del, p.Tyr12del (NM_001243743.2, NM_001243744.2); short protein forms Y12del.
Identifiers: ClinVar variation 456162 (VCV000456162.8), dbSNP rs1554858333, ClinGen allele CA658657877.

ClinVar aggregate classification (germline): Uncertain significance (1 of 4 stars; one submission).

Conditions:
Fanconi anemia (FA). Also called: Fanconi's anemia. Identifiers: Orphanet 84, MedGen C0015625, MeSH D005199, MONDO:0019391.

Submission:

Labcorp Genetics (formerly Invitae), Labcorp
Classification: Uncertain significance for Fanconi anemia. Last evaluated: 2017-04-24. Review status: criteria provided, single submitter. Criteria: Invitae Variant Classification Sherloc (09022015). Collection method: clinical testing. Allele origin: germline.
Comment: In summary, this is a novel in-frame deletion with uncertain impact on protein function. It has been classified as a Variant of Uncertain Significance. Experimental studies and prediction algorithms are not available for this variant, and the functional significance of the deleted amino acid is currently unknown. This variant is not present in population databases (ExAC no frequency) and has not been reported in the literature in individuals with a FANCC-related disease. This sequence change deletes 3 nucleotides from exon 2 of the FANCC mRNA (c.34_36delTAT). This leads to the deletion of 1 amino acid residue in the FANCC protein (p.Tyr12del) but otherwise preserves the integrity of the reading frame.